The following is an entry in ClinVar:

ClinVar aggregate classification (germline): Likely pathogenic. Review status: reviewed by expert panel (3 of 4 stars). 2 submissions from 2 submitters: Likely pathogenic (1). 1 of the submissions does not count toward it. Last evaluated 2026-10-02.

Conditions:
Hereditary thrombocytopenia and hematologic cancer predisposition syndrome. Identifiers: Orphanet 71290, MedGen CN281654, MONDO:0011071.
Hereditary thrombocytopenia and hematological cancer predisposition syndrome associated with RUNX1. Also called: Familial thrombocytopenia with propensity to acute myelogenous leukemia; PLATELET DISORDER, ASPIRIN-LIKE; Familial Platelet Disorder with Propensity to Acute Myelogenous Leukemia; RUNX1 Familial Platelet Disorder with Associated Myeloid Malignancies. Identifiers: Orphanet 71290, MedGen C1832388, MeSH C563324, MONDO:0100083, OMIM 601399.

Submissions (2):

ClinGen Myeloid Malignancy Variant Curation Expert Panel
Classification: Likely pathogenic for Hereditary thrombocytopenia and hematologic cancer predisposition syndrome. Last evaluated: 2026-10-02. Review status: reviewed by expert panel. Criteria: ClinGen MyeloMalig ACMG Specifications V3.1. Collection method: curation. Allele origin: germline. Inheritance: Autosomal dominant inheritance.
Comment: NM_001754.5(RUNX1):c.467C>A (p.Ala156Glu) is a missense variant which affects one of the amino acid residues (Ala156) within the RHD (amino acids 89-204; PM1_Supporting). This variant has a REVEL score ≥ 0.88 (0.90) (PP3) and is completely absent from all population databases with at least 20x coverage for RUNX1 (PM2_Supporting). This variant has been reported in one proband meeting at least one of the RUNX1-phenotypic criteria (PS4_ Supporting; PMID: 19357396, 27112265) and was found to co-segregate with disease in multiple affected family members, with seven meioses observed in one family (PP1_Strong; PMID: 19357396, 27112265). In summary, this variant meets criteria to be classified as likely pathogenic. ACMG/AMP criteria applied, as specified by the Myeloid Malignancy Variant Curation Expert Panel for RUNX1: PM1_Supporting, PP3, PM2_Supporting, PS4_Supporting, PP1_Strong.

OMIM
Classification: Pathogenic for PLATELET DISORDER, FAMILIAL, WITH ASSOCIATED MYELOID MALIGNANCY. Last evaluated: 2009-05-28. Review status: no assertion criteria provided. Collection method: literature only. Allele origin: unknown. Not counted in ClinVar's aggregate classification.

Literature cited by the submitters: PubMed 27112265 (cited by ClinGen Myeloid Malignancy Variant Curation Expert Panel); PubMed 19357396 (cited by ClinGen Myeloid Malignancy Variant Curation Expert Panel and OMIM).

NM_001754.5(RUNX1):c.467C>A (p.Ala156Glu)

Genes: RUNX1 (RUNX family transcription factor 1; minus strand), RUNX1-AS1 (RUNX1 antisense RNA 1; plus strand). Cytogenetic location: 21q22.12.
Variant type: single nucleotide variant.
Coding change: c.467C>A on transcript NM_001754.5 (MANE Select); coding-DNA position 467, C replaced by A.
Protein change: p.Ala156Glu; replaces alanine 156 with glutamic acid.
Molecular consequence: missense variant.
Genome position (GRCh38, 1-based): chr21:34,880,598, G>T on the plus strand (C>A on the coding strand, the complement: RUNX1 is on the minus strand). VCF-style: chr21-34880598-G-T. GRCh37 (hg19) VCF-style: chr21-36252895-G-T.
Other names: NM_001754.4(RUNX1):c.467C>A; NM_001754.5(RUNX1):c.467C>A; c.386C>A, p.Ala129Glu (NM_001001890.3, NM_001122607.2); short protein forms A129E, A156E.
Identifiers: ClinVar variation 14471 (VCV000014471.4), dbSNP rs267607026, ClinGen allele CA248628.
Genomic context (GRCh38, chr21:34,880,598, plus strand): 5'-GTTTTGACAGATAACGTACCTCTTCCACTTCGACCGACAAACCTGAGGTCATTAAATCTT[G>T]CAACCTGGTTCTTCATGGCTGCGGTAGCATTTCTCAGCTCAGCCGAGTAGTTTTCATCAT-3'
Protein context (NP_001745.2, residues 146-166): NATAAMKNQV[Ala156Glu]RFNDLRFVGR